The following is an entry in ClinVar:

NM_000059.4(BRCA2):c.9117+1del

Gene: BRCA2 (BRCA2 DNA repair associated; plus strand). Cytogenetic location: 13q13.1.
Variant type: Deletion.
Coding change: c.9117+1del on transcript NM_000059.4 (MANE Select); the canonical splice donor site of the intron after coding-DNA position 9117, one base deleted (G; older notation c.9117+1delG).
Molecular consequence: splice donor variant.
Genome position (GRCh38, 1-based): chr13:32,379,914, G deleted; the last of 2 consecutive G bases (chr13:32,379,913-32,379,914); deleting either gives the same sequence. VCF-style (leftmost placement, unchanged base first): chr13-32379912-CG-C. GRCh37 (hg19) VCF-style: chr13-32954049-CG-C.
Other names: c.9117+1delG (NM_000059.3); c.9066+1del (NM_001406720.1); c.9021+1del (NM_001406719.1); c.4185+1del (NM_001406721.1); c.2700+1del (NM_001406722.1).
Identifiers: ClinVar variation 225757 (VCV000225757.15), dbSNP rs869320801, ClinGen allele CA10576077.

ClinVar aggregate classification (germline): Pathogenic/Likely pathogenic. Review status: criteria provided, multiple submitters, no conflicts (2 of 4 stars). 5 submissions from 5 submitters: Pathogenic (2); Likely pathogenic (3). Last evaluated 2025-06-25.

Conditions:
Hereditary cancer-predisposing syndrome. Also called: Tumor predisposition; Neoplastic Syndromes, Hereditary; Hereditary neoplastic syndrome; Hereditary Cancer Syndrome. Identifiers: Orphanet 140162, MedGen C0027672, MeSH D009386, MONDO:0015356.
Breast-ovarian cancer, familial, susceptibility to, 2 (BROVCA2). Also called: BRCA2 Hereditary Breast and Ovarian Cancer. Identifiers: Orphanet 145, MedGen C2675520, MONDO:0012933, OMIM 612555. Disease mechanism: loss of function.
Hereditary breast ovarian cancer syndrome. Also called: Hereditary breast and/or ovarian cancer syndrome; Hereditary breast and ovarian cancer syndrome (HBOC); Breast and ovarian cancer; Hereditary breast and ovarian cancer; BRCA1- and BRCA2-Associated Hereditary Breast and Ovarian Cancer; Hereditary breast and ovarian cancer syndrome. Identifiers: Orphanet 145, MedGen C0677776, MeSH D061325, MONDO:0003582. Disease mechanism: loss of function.

Submissions (5):

Ambry Genetics
Classification: Likely pathogenic for Hereditary cancer-predisposing syndrome. Last evaluated: 2025-06-25. Review status: criteria provided, single submitter. Criteria: Ambry Variant Classification Scheme 2023. Collection method: clinical testing. Allele origin: germline.
Comment: The c.9117+1delG intronic variant, located in intron 22 of the BRCA2 gene, results from a deletion of one nucleotide within intron 22 of the BRCA2 gene. Another alteration impacting this splice donor site, c.9117+1G>A, is noted to be a Finnish founder mutation and has been reported in multiple breast and/or ovarian cancer families (Marroni F et al. Eur J Hum Genet. 2004 Nov;12(11):899-906; Tea MK et al. Maturitas. 2014 Jan;77(1):68-72; Apostolou P et al. eLS. John Wiley & Sons, Ltd: Chichester. 2015 Jan). This nucleotide position is highly conserved in available vertebrate species. In silico splice site analysis predicts that this alteration will weaken the native splice donor site. RNA studies have demonstrated that this alteration results in abnormal splicing in the set of samples tested (Ambry internal data; Acedo A et al. Breast Cancer Res. 2012 May 25;14(3):R87). This variant is considered to be rare based on population cohorts in the Genome Aggregation Database (gnomAD). Alterations that disrupt the canonical splice site are expected to cause aberrant splicing, resulting in an abnormal protein or a transcript that is subject to nonsense-mediated mRNA decay. As such, this alteration is classified as likely pathogenic.

Labcorp Genetics (formerly Invitae), Labcorp
Classification: Pathogenic for Hereditary breast ovarian cancer syndrome. Last evaluated: 2024-10-15. Review status: criteria provided, single submitter. Criteria: Invitae Variant Classification Sherloc (09022015). Collection method: clinical testing. Allele origin: germline.
Comment: This sequence change affects a splice site in intron 23 of the BRCA2 gene. RNA analysis indicates that disruption of this splice site induces altered splicing and may result in an absent or altered protein product. This variant is not present in population databases (gnomAD no frequency). Disruption of this splice site has been observed in individual(s) with breast and or ovarian cancer (PMID: 10449599, 15340362, 28724667, 29084914, 30702160). ClinVar contains an entry for this variant (Variation ID: 225757). Studies have shown that disruption of this splice site alters mRNA splicing and is expected to lead to the loss of protein expression (PMID: 10449599, 22632462). For these reasons, this variant has been classified as Pathogenic.

Women's Health and Genetics/Laboratory Corporation of America, LabCorp
Classification: Pathogenic for Hereditary breast ovarian cancer syndrome. Last evaluated: 2023-03-30. Review status: criteria provided, single submitter. Criteria: LabCorp Variant Classification Summary - May 2015. Collection method: clinical testing. Allele origin: germline.
Comment: Variant summary: BRCA2 c.9117+1delG is located in a canonical splice-site and is predicted to affect mRNA splicing resulting in a significantly altered protein due to either exon skipping, shortening, or inclusion of intronic material. Several computational tools predict a significant impact on normal splicing: Two predict the variant abolishes a 5 splicing donor site. However, these predictions have yet to be confirmed by functional studies. The variant was absent in 248254 control chromosomes. To our knowledge, no occurrence of c.9117+1delG in individuals affected with Hereditary Breast And Ovarian Cancer Syndrome and no experimental evidence demonstrating its impact on protein function have been reported. Four clinical diagnostic laboratories have submitted clinical-significance assessments for this variant to ClinVar after 2014 without evidence for independent evaluation. All laboratories classified the variant as pathogenic/likely pathogenic. In addition, other variants involving this splice site ( c.9117+1G>A, c.9117+1G>T) have been reported to associate with HBOC. Based on the evidence outlined above, the variant was classified as pathogenic.

Quest Diagnostics Nichols Institute San Juan Capistrano
Classification: Likely pathogenic. Last evaluated: 2021-07-31. Review status: criteria provided, single submitter. Criteria: Quest Diagnostics criteria. Collection method: clinical testing. Allele origin: unknown.
Comment: This frameshift variant alters the translational reading frame of the BRCA2 mRNA and is predicted to cause the premature termination of BRCA2 protein synthesis. To the best of our knowledge, the variant has not been reported in the published literature. Based on the available information, this variant is classified as likely pathogenic.

Molecular Genetics Laboratory, University of Michigan
Classification: Likely pathogenic for Breast-ovarian cancer, familial, susceptibility to, 2. Last evaluated: 2016-04-21. Review status: criteria provided, single submitter. Criteria: ACMG Guidelines, 2015. Collection method: clinical testing. Allele origin: germline. Affected: yes.

Literature cited by the submitters: PubMed 22505045 (cited by Ambry Genetics); PubMed 10449599 (cited by Labcorp Genetics (formerly Invitae), Labcorp); PubMed 15340362 (cited by Labcorp Genetics (formerly Invitae), Labcorp); PubMed 28724667 (cited by Labcorp Genetics (formerly Invitae), Labcorp); PubMed 29084914 (cited by Labcorp Genetics (formerly Invitae), Labcorp); PubMed 30702160 (cited by Labcorp Genetics (formerly Invitae), Labcorp); PubMed 22632462 (cited by Labcorp Genetics (formerly Invitae), Labcorp).